The following is an entry in ClinVar:

ClinVar aggregate classification (germline): Uncertain significance (1 of 4 stars; one submission).

Conditions:
Cardiovascular phenotype. Identifiers: MedGen CN230736.

Submission:

Ambry Genetics
Classification: Uncertain significance for Cardiovascular phenotype. Last evaluated: 2025-08-19. Review status: criteria provided, single submitter. Criteria: Ambry Variant Classification Scheme 2023. Collection method: clinical testing. Allele origin: germline.
Comment: The p.P8L variant (also known as c.23C>T), located in coding exon 1 of the CHST14 gene, results from a C to T substitution at nucleotide position 23. The proline at codon 8 is replaced by leucine, an amino acid with similar properties. This amino acid position is conserved. In addition, this alteration is predicted to be tolerated by in silico analysis. Since supporting evidence is limited at this time, the clinical significance of this alteration remains unclear.

NM_130468.4(CHST14):c.23C>T (p.Pro8Leu)

Genes: CHST14 (carbohydrate sulfotransferase 14; plus strand), LOC130056851 (ATAC-STARR-seq lymphoblastoid silent region 6336; plus strand). Cytogenetic location: 15q15.1.
Variant type: single nucleotide variant.
Coding change: c.23C>T on transcript NM_130468.4 (MANE Select); coding-DNA position 23, C replaced by T.
Protein change: p.Pro8Leu; replaces proline 8 with leucine.
Molecular consequence: missense variant.
Genome position (GRCh38, 1-based): chr15:40,471,236, C>T. VCF-style: chr15-40471236-C-T. GRCh37 (hg19) VCF-style: chr15-40763435-C-T.
Other names: short protein forms P8L.
Identifiers: ClinVar variation 1790711 (VCV001790711.3), dbSNP rs774512581, ClinGen allele CA391761807.